The following is an entry in ClinVar:

NM_001863.5(COX6B1):c.148G>A (p.Asp50Asn)

Gene: COX6B1 (cytochrome c oxidase subunit 6B1; plus strand). Cytogenetic location: 19q13.12.
Variant type: single nucleotide variant.
Coding change: c.148G>A on transcript NM_001863.5 (MANE Select); coding-DNA position 148, G replaced by A.
Protein change: p.Asp50Asn; replaces aspartic acid 50 with asparagine.
Molecular consequence: missense variant.
Genome position (GRCh38, 1-based): chr19:35,654,612, G>A. VCF-style: chr19-35654612-G-A. GRCh37 (hg19) VCF-style: chr19-36145514-G-A.
Other names: short protein forms D50N.
Identifiers: ClinVar variation 1942638 (VCV001942638.2), dbSNP rs766303037, ClinGen allele CA9383154.

ClinVar aggregate classification (germline): Uncertain significance (1 of 4 stars; one submission).

Allele frequency attached by ClinVar (database versions not stated): TOPMed 0.00001; gnomAD 0.00003; ExAC 0.00006.

Submission:

Labcorp Genetics (formerly Invitae), Labcorp
Classification: Uncertain significance. Last evaluated: 2022-07-05. Review status: criteria provided, single submitter. Criteria: Invitae Variant Classification Sherloc (09022015). Collection method: clinical testing. Allele origin: germline.
Comment: This sequence change replaces aspartic acid, which is acidic and polar, with asparagine, which is neutral and polar, at codon 50 of the COX6B1 protein (p.Asp50Asn). This variant is present in population databases (rs766303037, gnomAD 0.05%). This variant has not been reported in the literature in individuals affected with COX6B1-related conditions. Algorithms developed to predict the effect of missense changes on protein structure and function output the following: SIFT: "Tolerated"; PolyPhen-2: "Benign"; Align-GVGD: "Class C0". The asparagine amino acid residue is found in multiple mammalian species, which suggests that this missense change does not adversely affect protein function. In summary, the available evidence is currently insufficient to determine the role of this variant in disease. Therefore, it has been classified as a Variant of Uncertain Significance.